The following is an entry in ClinVar:

NM_015338.6(ASXL1):c.871G>A (p.Val291Ile)

Gene: ASXL1 (ASXL transcriptional regulator 1; plus strand). Cytogenetic location: 20q11.21.
Variant type: single nucleotide variant.
Coding change: c.871G>A on transcript NM_015338.6 (MANE Select); coding-DNA position 871, G replaced by A.
Protein change: p.Val291Ile; replaces valine 291 with isoleucine.
Molecular consequence: missense variant.
Genome position (GRCh38, 1-based): chr20:32,431,473, G>A. VCF-style: chr20-32431473-G-A. GRCh37 (hg19) VCF-style: chr20-31019276-G-A.
Other names: c.688G>A, p.Val230Ile (NM_001363734.1); short protein forms V230I, V291I.
Identifiers: ClinVar variation 5030190 (VCV005030190.1).

ClinVar aggregate classification (germline): Uncertain significance (1 of 4 stars; one submission).

Conditions:
Inborn genetic diseases. Identifiers: MedGen C0950123, MeSH D030342.

gnomAD v4.1: 20 of 1,614,160 alleles (0.0012%); highest among the groups gnomAD compares: Non-Finnish European, 0.0017%; no homozygotes.

Submission:

Ambry Genetics
Classification: Uncertain significance for Inborn genetic diseases. Last evaluated: 2026-08-03. Review status: criteria provided, single submitter. Criteria: Ambry Variant Classification Scheme 2023. Collection method: clinical testing. Allele origin: germline.
Comment: The p.V291I variant (also known as c.871G>A), located in coding exon 9 of the ASXL1 gene, results from a G to A substitution at nucleotide position 871. The valine at codon 291 is replaced by isoleucine, an amino acid with highly similar properties. This amino acid position is conserved. In addition, this alteration is predicted to be tolerated by in silico analysis. Based on the available evidence, the clinical significance of this variant remains unclear.